The following is an entry in ClinVar:

NM_054012.4(ASS1):c.892del (p.Glu298fs)

Gene: ASS1 (argininosuccinate synthase 1; plus strand). Cytogenetic location: 9q34.11.
Variant type: Deletion.
Coding change: c.892del on transcript NM_054012.4 (MANE Select); coding-DNA position 892, one base deleted (G; older notation c.892delG).
Protein change: p.Glu298fs; shifts the reading frame from glutamic acid 298.
Molecular consequence: frameshift variant.
Genome position (GRCh38, 1-based): chr9:130,489,386, G deleted. VCF-style (leftmost placement, unchanged base first): chr9-130489385-CG-C. GRCh37 (hg19) VCF-style: chr9-133364772-CG-C.
Other names: c.892del, p.Glu298fs (NM_000050.4); c.892delG (NM_000050.4); short protein forms E298fs.
Identifiers: ClinVar variation 188832 (VCV000188832.51), dbSNP rs770362721, ClinGen allele CA274014.
Genomic context (GRCh38, chr9:130,489,385, plus strand): 5'-ATGGCTAGGTATCTACGAGACCCCAGCAGGCACCATCCTTTACCATGCTCATTTAGACAT[CG>C]AGGCCTTCACCATGGACCGGGAAGTGCGCAAAATCAAACAAGGCCTGGGCTTGAAATTTG-3'

ClinVar aggregate classification (germline): Pathogenic. Review status: criteria provided, multiple submitters, no conflicts (2 of 4 stars). 10 submissions from 10 submitters: Pathogenic (9). 1 of the submissions does not count toward it. Last evaluated 2026-07-15.

Conditions:
Fetal anomalies with a likely genetic cause.
Citrullinemia. Identifiers: Orphanet 187, MedGen C0175683, MONDO:0015991.
Citrullinemia type I (CTNL1). Also called: ASS DEFICIENCY; argininosuccinate synthetase deficiency. Identifiers: Orphanet 247525, MedGen C4721769, MONDO:0008988, OMIM 215700.

Allele frequency attached by ClinVar (database versions not stated): gnomAD exomes below 0.00001 and 0.00003; ExAC 0.00001; gnomAD 0.00004; TOPMed 0.00005; ESP Exome Variant Server 0.00008.

Submissions (10):

Genetics Laboratory, Great Ormond Street Hospital NHS Foundation Trust, North Thames Genomic Laboratory Hub
Classification: Pathogenic for Fetal anomalies with a likely genetic cause. Last evaluated: 2026-07-15. Review status: criteria provided, single submitter. Criteria: ACGS Best Practice Guidelines for Variant Classification in Rare Disease 2024 v1.2. Collection method: clinical testing. Allele origin: germline. Affected: yes.
Comment: PM2_moderate, PVS1_very-strong

Natera, Inc.
Classification: Pathogenic for Citrullinemia type I. Last evaluated: 2025-09-15. Review status: criteria provided, single submitter. Criteria: Natera Variant Classification Schema (03/2026). Collection method: clinical testing. Allele origin: germline.
Comment: The c.892delG variant in ASS1 is a frameshift variant predicted to shift the reading frame beginning at codon 298 and leads to a stop codon 18 codons downstream. This variant is expected to result in nonsense mediated decay, truncation, or a dysfunctional protein product. This variant is rare in the general population with a frequency below the threshold expected for the associated phenotype(s). This variant has been observed in one or more individuals affected with the associated recessive disease, as either homozygous or compound heterozygous with a second variant (PMID: 28468868). Given the available evidence, this variant is classified as Pathogenic.

Fulgent Genetics
Classification: Pathogenic for Citrullinemia type I. Last evaluated: 2024-06-11. Review status: criteria provided, single submitter. Criteria: ACMG Guidelines, 2015. Collection method: clinical testing. Allele origin: germline.

CeGaT Center for Human Genetics Tuebingen
Classification: Pathogenic. Last evaluated: 2023-04-01. Review status: criteria provided, single submitter. Criteria: CeGaT Center For Human Genetics Tuebingen Variant Classification Criteria Version 2. Collection method: clinical testing. Allele origin: germline. Affected: yes. Observed: 1 variant allele.
Comment: ASS1: PVS1, PM2, PM3, PP4:Moderate

Labcorp Genetics (formerly Invitae), Labcorp
Classification: Pathogenic for Citrullinemia. Last evaluated: 2022-10-05. Review status: criteria provided, single submitter. Criteria: Invitae Variant Classification Sherloc (09022015). Collection method: clinical testing. Allele origin: germline.
Comment: This sequence change creates a premature translational stop signal (p.Glu298Argfs*18) in the ASS1 gene. It is expected to result in an absent or disrupted protein product. Loss-of-function variants in ASS1 are known to be pathogenic (PMID: 18473344, 19006241). This variant is present in population databases (rs770362721, gnomAD 0.002%). This premature translational stop signal has been observed in individuals with citrullinemia type I (PMID: 15863597, 25433810). ClinVar contains an entry for this variant (Variation ID: 188832). Algorithms developed to predict the effect of sequence changes on RNA splicing suggest that this variant may disrupt the consensus splice site. For these reasons, this variant has been classified as Pathogenic.

GeneDx
Classification: Pathogenic. Last evaluated: 2022-04-07. Review status: criteria provided, single submitter. Criteria: GeneDx Variant Classification Process June 2021. Collection method: clinical testing. Allele origin: germline. Affected: yes.
Comment: Frameshift variant predicted to result in protein truncation or nonsense mediated decay in a gene for which loss of function is a known mechanism of disease; Not observed at significant frequency in large population cohorts (gnomAD); Published functional studies demonstrate the variant results in reduced enzyme activity (Zielonka et al., 2019); This variant is associated with the following publications: (PMID: 24508627, 31469252, 15863597, 12815590, 19006241, 25433810)

Revvity Omics, Revvity
Classification: Pathogenic for Citrullinemia type I. Last evaluated: 2021-08-18. Review status: criteria provided, single submitter. Criteria: ACMG Guidelines, 2015. Collection method: clinical testing. Allele origin: germline.

Illumina Laboratory Services, Illumina
Classification: Pathogenic for Citrullinemia type I. Last evaluated: 2017-09-18. Review status: criteria provided, single submitter. Criteria: ICSL Variant Classification Criteria 09 May 2019. Collection method: clinical testing. Allele origin: germline.
Comment: The ASS1 c.892delG (p.Glu298ArgfsTer18) variant results in a frameshift and is predicted to result in premature termination of the protein. The p.Glu298ArgfsTer18 variant has been reported in three studies in which it has been found in a compound heterozygous state in four individuals with citrullinemia including two individuals with a missense variant on the second allele and two individuals with another frameshift variant on the second allele (Enns et al. 2005; MartÃ­n-HernÃ¡ndez et al. 2014; Diez-Fernandez et al. 2017). One of the individuals with two frameshift variants presented with neonatal onset of neurological damage (MartÃ­n-HernÃ¡ndez et al. 2014). Control data are unavailable for this variant, which is reported at a frequency of 0.000016 in the European (non-Finnish) population of the Genome Aggregation Database but this is based on two alleles in a region of good sequence coverage, so the variant is presumed to be rare. A radiolabeled 14C-citrulline/3H-leucine protein incorporation assay confirmed argininosuccinate synthetase deficiency (Enns et al. 2005). Plasma clinical chemistry in this patient show elevated plasma citrulline levels and mild hyperammonemia (Enns et al. 2005). Based on the evidence and the potential impact of frameshift variants, the p.Glu298ArgfsTer18 variant is classified as pathogenic for citrullinemia. This variant was observed by ICSL as part of a predisposition screen in an ostensibly healthy population.

Women's Health and Genetics/Laboratory Corporation of America, LabCorp
Classification: Pathogenic for Citrullinemia. Last evaluated: 2016-05-04. Review status: criteria provided, single submitter. Criteria: LabCorp Variant Classification Summary - May 2015. Collection method: clinical testing. Allele origin: germline.
Comment: Variant summary: The c.892delG variant is predicted to cause a frameshift, which alters the proteins amino acid sequence beginning at position 298 and leads to a premature termination codon 17 amino acids downstream. It is predicted to cause a truncated or absent ASS1 protein, which is a commonly known mechanism for disease. Truncations downstream of this position have been classified as pathogenic by our laboratory (e.g.R389Qfs). One in-silico tool predicts damaging outcome for this variant. This variant is found in 1/121396 control chromosomes at a frequency of 0.0000082, which does not exceed maximal expected frequency of a pathogenic allele (0.0040825). This variant has been reported in at least two affected individuals. In addition, one clinical laboratory classified this variant as likely pathogenic, without evidence to independently evaluate. Taken together, this variant was classified as pathogenic.

Counsyl
Classification: Likely pathogenic for Citrullinemia type I. Last evaluated: 2014-06-16. Review status: no assertion criteria provided. Collection method: literature only. Allele origin: unknown. Inheritance: Autosomal recessive inheritance. Not counted in ClinVar's aggregate classification.

Literature cited by the submitters: PubMed 28468868 (cited by Natera, Inc.); PubMed 18473344 (cited by Labcorp Genetics (formerly Invitae), Labcorp); PubMed 19006241 (cited by 3 submitters); PubMed 15863597 (cited by 3 submitters); PubMed 25433810 (cited by 3 submitters); PubMed 28111830 (cited by Illumina Laboratory Services, Illumina); PubMed 12815590 (cited by Counsyl); PubMed 24508627 (cited by Counsyl).